The following is an entry in ClinVar:

ClinVar aggregate classification (germline): Likely benign. Review status: criteria provided, multiple submitters, no conflicts (2 of 4 stars). 5 submissions from 5 submitters: Likely benign (3). 2 of the submissions do not count toward it. Last evaluated 2026-01-24.

Conditions:
SEPSECS-related disorder. Also called: SEPSECS-related condition.
Pontocerebellar hypoplasia type 2D (PCH2D). Also called: Progressive cerebello-cerebral atrophy. Identifiers: Orphanet 247198, Orphanet 2524, MedGen C3151140, MONDO:0013438, OMIM 613811.
Inborn genetic diseases. Identifiers: MedGen C0950123, MeSH D030342.

Allele frequency attached by ClinVar (database versions not stated): ExAC 0.00034; 1000 Genomes Project 0.00040; 1000 Genomes Project 30x 0.00062; gnomAD 0.00099; TOPMed 0.00127; ESP Exome Variant Server 0.00131.
gnomAD v4.1: 349 of 1,614,024 alleles (0.022%); highest among the groups gnomAD compares: African/African-American, 0.41%; no homozygotes.

Submissions (5):

Labcorp Genetics (formerly Invitae), Labcorp
Classification: Likely benign. Last evaluated: 2026-01-24. Review status: criteria provided, single submitter. Criteria: Invitae Variant Classification Sherloc (09022015). Collection method: clinical testing. Allele origin: germline.

Ambry Genetics
Classification: Likely benign for Inborn genetic diseases. Last evaluated: 2022-12-02. Review status: criteria provided, single submitter. Criteria: Ambry Variant Classification Scheme 2023. Collection method: clinical testing. Allele origin: germline.

GeneDx
Classification: Likely benign. Last evaluated: 2018-10-24. Review status: criteria provided, single submitter. Criteria: GeneDx Variant Classification (06012015). Collection method: clinical testing. Allele origin: germline. Affected: yes.

PreventionGenetics, part of Exact Sciences
Classification: Likely benign for SEPSECS-related condition. Last evaluated: 2022-05-17. Review status: no assertion criteria provided. Collection method: clinical testing. Allele origin: germline. Not counted in ClinVar's aggregate classification.
Comment: This variant is classified as likely benign based on ACMG/AMP sequence variant interpretation guidelines (Richards et al. 2015 PMID: 25741868, with internal and published modifications).

Natera, Inc.
Classification: Uncertain significance for Pontocerebellar hypoplasia type 2d. Last evaluated: 2020-04-21. Review status: no assertion criteria provided. Collection method: clinical testing. Allele origin: germline. Not counted in ClinVar's aggregate classification.

NM_016955.4(SEPSECS):c.919A>G (p.Ser307Gly)

Gene: SEPSECS (Sep (O-phosphoserine) tRNA:Sec (selenocysteine) tRNA synthase; minus strand). Cytogenetic location: 4p15.2.
Variant type: single nucleotide variant.
Coding change: c.919A>G on transcript NM_016955.4 (MANE Select); coding-DNA position 919, A replaced by G.
Protein change: p.Ser307Gly; replaces serine 307 with glycine.
Molecular consequence: missense variant.
Genome position (GRCh38, 1-based): chr4:25,145,019, T>C on the plus strand (A>G on the coding strand, the complement: SEPSECS is on the minus strand). VCF-style: chr4-25145019-T-C. GRCh37 (hg19) VCF-style: chr4-25146641-T-C.
Other names: short protein forms S307G.
Identifiers: ClinVar variation 695635 (VCV000695635.18), dbSNP rs150309842, ClinGen allele CA2877319.